The following is an entry in ClinVar:

ClinVar aggregate classification (germline): Uncertain significance. Review status: criteria provided, multiple submitters, no conflicts (2 of 4 stars). 3 submissions from 3 submitters: Uncertain significance (3). Last evaluated 2025-03-04.

Conditions:
Hereditary cancer-predisposing syndrome. Also called: Neoplastic Syndromes, Hereditary; Tumor predisposition; Hereditary Cancer Syndrome; Hereditary neoplastic syndrome. Identifiers: Orphanet 140162, MedGen C0027672, MeSH D009386, MONDO:0015356.
Oligodontia-cancer predisposition syndrome. Also called: TOOTH AGENESIS-COLORECTAL CANCER SYNDROME. Identifiers: Orphanet 300576, MedGen C1837750, MONDO:0012075, OMIM 608615. Disease mechanism: loss of function.

Submissions (3):

Center for Genomic Medicine, Rigshospitalet, Copenhagen University Hospital
Classification: Uncertain significance. Last evaluated: 2025-03-04. Review status: criteria provided, single submitter. Criteria: ACMG Guidelines, 2015. Collection method: clinical testing. Allele origin: germline.

Labcorp Genetics (formerly Invitae), Labcorp
Classification: Uncertain significance for Oligodontia-cancer predisposition syndrome. Last evaluated: 2023-01-14. Review status: criteria provided, single submitter. Criteria: Invitae Variant Classification Sherloc (09022015). Collection method: clinical testing. Allele origin: germline.
Comment: This variant is not present in population databases (gnomAD no frequency). In summary, the available evidence is currently insufficient to determine the role of this variant in disease. Therefore, it has been classified as a Variant of Uncertain Significance. Advanced modeling of protein sequence and biophysical properties (such as structural, functional, and spatial information, amino acid conservation, physicochemical variation, residue mobility, and thermodynamic stability) performed at Invitae indicates that this missense variant is not expected to disrupt AXIN2 protein function. This variant has not been reported in the literature in individuals affected with AXIN2-related conditions. This sequence change replaces valine, which is neutral and non-polar, with methionine, which is neutral and non-polar, at codon 717 of the AXIN2 protein (p.Val717Met).

Ambry Genetics
Classification: Uncertain significance for Hereditary cancer-predisposing syndrome. Last evaluated: 2022-12-17. Review status: criteria provided, single submitter. Criteria: Ambry Variant Classification Scheme 2023. Collection method: clinical testing. Allele origin: germline.
Comment: The p.V717M variant (also known as c.2149G>A), located in coding exon 8 of the AXIN2 gene, results from a G to A substitution at nucleotide position 2149. The valine at codon 717 is replaced by methionine, an amino acid with highly similar properties. This amino acid position is conserved. In addition, this alteration is predicted to be tolerated by in silico analysis. Since supporting evidence is limited at this time, the clinical significance of this alteration remains unclear.

NM_004655.4(AXIN2):c.2149G>A (p.Val717Met)

Gene: AXIN2 (axin 2; minus strand). Cytogenetic location: 17q24.1.
Variant type: single nucleotide variant.
Coding change: c.2149G>A on transcript NM_004655.4 (MANE Select); coding-DNA position 2149, G replaced by A.
Protein change: p.Val717Met; replaces valine 717 with methionine.
Molecular consequence: missense variant.
Genome position (GRCh38, 1-based): chr17:65,535,714, C>T on the plus strand (G>A on the coding strand, the complement: AXIN2 is on the minus strand). VCF-style: chr17-65535714-C-T. GRCh37 (hg19) VCF-style: chr17-63531832-C-T.
Other names: c.1954G>A, p.Val652Met (NM_001363813.1); short protein forms V652M, V717M.
Identifiers: ClinVar variation 2828579 (VCV002828579.6), dbSNP rs2509397533, ClinGen allele CA400675872.
Genomic context (GRCh38, chr17:65,535,714, plus strand): 5'-AGGGTGTGGCTCCCGTCTGAACAGTGGCCGAATGATTCCTGTCCCTCTGCTGACTGGCCA[C>T]ACAGCACCTGAGGACACAGCCAGGGCGAGGGATTTAGAGGTACACTGTTGTCCCCAGAGC-3'
Protein context (NP_004646.3, residues 707-727): VSKPPKQRCC[Val717Met]ASQQRDRNHS